The following is an entry in ClinVar:

NM_173728.4(ARHGEF15):c.814C>T (p.Arg272Cys)

Gene: ARHGEF15 (Rho guanine nucleotide exchange factor 15; plus strand). Cytogenetic location: 17p13.1.
Variant type: single nucleotide variant.
Coding change: c.814C>T on transcript NM_173728.4 (MANE Select); coding-DNA position 814, C replaced by T.
Protein change: p.Arg272Cys; replaces arginine 272 with cysteine.
Molecular consequence: missense variant.
Genome position (GRCh38, 1-based): chr17:8,313,134, C>T. VCF-style: chr17-8313134-C-T. GRCh37 (hg19) VCF-style: chr17-8216452-C-T.
Other names: c.814C>T (NM_173728.3); c.814C>T, p.Arg272Cys (NM_025014.2); short protein forms R272C.
Identifiers: ClinVar variation 1023618 (VCV001023618.10), dbSNP rs149554572, ClinGen allele CA8374989.

ClinVar aggregate classification (germline): Uncertain significance. Review status: criteria provided, multiple submitters, no conflicts (2 of 4 stars). 2 submissions from 2 submitters: Uncertain significance (2). Last evaluated 2025-03-17.

Conditions:
Early-infantile DEE. Also called: Ohtahara syndrome; Early infantile epileptic encephalopathy with suppression bursts; Early infantile epileptic encephalopathy. Identifiers: Orphanet 1934, MedGen C0393706, MONDO:0800491.

Allele frequency attached by ClinVar (database versions not stated): gnomAD 0.00001; TOPMed 0.00001; gnomAD exomes 0.00002; ExAC 0.00003; ESP Exome Variant Server 0.00015.

Submissions (2):

Labcorp Genetics (formerly Invitae), Labcorp
Classification: Uncertain significance for Early-infantile DEE. Last evaluated: 2025-03-17. Review status: criteria provided, single submitter. Criteria: Invitae Variant Classification Sherloc (09022015). Collection method: clinical testing. Allele origin: germline.
Comment: This sequence change replaces arginine, which is basic and polar, with cysteine, which is neutral and slightly polar, at codon 272 of the ARHGEF15 protein (p.Arg272Cys). This variant is present in population databases (rs149554572, gnomAD 0.02%). This variant has not been reported in the literature in individuals affected with ARHGEF15-related conditions. ClinVar contains an entry for this variant (Variation ID: 1023618). An algorithm developed to predict the effect of missense changes on protein structure and function (PolyPhen-2) suggests that this variant is likely to be disruptive. In summary, the available evidence is currently insufficient to determine the role of this variant in disease. Therefore, it has been classified as a Variant of Uncertain Significance.

Ambry Genetics
Classification: Uncertain significance. Last evaluated: 2024-11-20. Review status: criteria provided, single submitter. Criteria: Ambry Variant Classification Scheme 2023. Collection method: clinical testing. Allele origin: germline.